The following is an entry in ClinVar:

ClinVar aggregate classification (germline): Uncertain significance. Review status: criteria provided, multiple submitters, no conflicts (2 of 4 stars). 3 submissions from 3 submitters: Uncertain significance (3). Last evaluated 2025-03-04.

Conditions:
Hereditary cancer-predisposing syndrome. Also called: Hereditary Cancer Syndrome; Hereditary neoplastic syndrome; Tumor predisposition; Neoplastic Syndromes, Hereditary. Identifiers: Orphanet 140162, MedGen C0027672, MeSH D009386, MONDO:0015356.
Polyposis syndrome, hereditary mixed, 1 (HMPS1). Also called: COLORECTAL ADENOMA AND CARCINOMA 1; CHROMOSOME 15q13-q14 DUPLICATION SYNDROME, 40-KB. Identifiers: Orphanet 157794, MedGen C1832587, MONDO:0042486, OMIM 601228.

Allele frequency attached by ClinVar (database versions not stated): ExAC 0.00001; gnomAD exomes 0.00001.
gnomAD v4.1: 11 of 1,542,624 alleles (0.00071%); highest among the groups gnomAD compares: Non-Finnish European, 0.00087%; no homozygotes.

Submissions (3):

Center for Genomic Medicine, Rigshospitalet, Copenhagen University Hospital
Classification: Uncertain significance. Last evaluated: 2025-03-04. Review status: criteria provided, single submitter. Criteria: ACMG Guidelines, 2015. Collection method: clinical testing. Allele origin: germline.

St. Jude Molecular Pathology, St. Jude Children's Research Hospital
Classification: Uncertain significance for Polyposis syndrome, hereditary mixed, 1. Last evaluated: 2025-02-05. Review status: criteria provided, single submitter. Criteria: St. Jude Assertion Criteria 2020. Collection method: clinical testing. Allele origin: germline.
Comment: The GREM1 c.10A>G (p.Thr4Ala) missense change has a maximum subpopulation frequency of 0.001% in gnomAD v2.1.1. The in silico tool REVEL predicts a benign effect on protein function, but to our knowledge this prediction has not been confirmed by functional studies. To our knowledge, this variant has not been reported in individuals with hereditary mixed polyposis syndrome. In summary, the evidence currently available is insufficient to determine the clinical significance of this variant. It has therefore been classified as of uncertain significance.

Ambry Genetics
Classification: Uncertain significance for Hereditary cancer-predisposing syndrome. Last evaluated: 2024-06-09. Review status: criteria provided, single submitter. Criteria: Ambry Variant Classification Scheme 2023. Collection method: clinical testing. Allele origin: germline.
Comment: The p.T4A variant (also known as c.10A>G), located in coding exon 1 of the GREM1 gene, results from an A to G substitution at nucleotide position 10. The threonine at codon 4 is replaced by alanine, an amino acid with similar properties. This amino acid position is conserved. In addition, this alteration is predicted to be tolerated by in silico analysis. Since supporting evidence is limited at this time, the clinical significance of this alteration remains unclear.

NM_013372.7(GREM1):c.10A>G (p.Thr4Ala)

Gene: GREM1 (gremlin 1, DAN family BMP antagonist; plus strand). Cytogenetic location: 15q13.3.
Variant type: single nucleotide variant.
Coding change: c.10A>G on transcript NM_013372.7 (MANE Select); coding-DNA position 10, A replaced by G.
Protein change: p.Thr4Ala; replaces threonine 4 with alanine.
Molecular consequence: missense variant.
Genome position (GRCh38, 1-based): chr15:32,730,700, A>G. VCF-style: chr15-32730700-A-G. GRCh37 (hg19) VCF-style: chr15-33022901-A-G.
Other names: c.10A>G, p.Thr4Ala (NM_001191322.2, NM_001191323.2, NM_001368719.1); short protein forms T4A.
Identifiers: ClinVar variation 1791923 (VCV001791923.6), dbSNP rs776296145, ClinGen allele CA7456093.